The following is an entry in ClinVar:

ClinVar aggregate classification (germline): Conflicting classifications of pathogenicity. Review status: criteria provided, conflicting classifications (1 of 4 stars). 5 submissions from 5 submitters: Pathogenic (1); Likely pathogenic (3); Uncertain significance (1). Last evaluated 2024-10-21.

Conditions:
Seizures, benign familial neonatal, 1. Also called: KCNQ2-Related Benign Familial Neonatal Epilepsy; KCNQ2-Related Self-Limited Familial Neonatal Epilepsy (SLFNE); Seizures, benign neonatal, 1; Benign Neonatal Epilepsy 1. Identifiers: Orphanet 1949, MedGen C3149074, MONDO:0007365, OMIM 121200.
Early-infantile DEE. Also called: Early infantile epileptic encephalopathy; Early infantile epileptic encephalopathy with suppression bursts; Ohtahara syndrome. Identifiers: Orphanet 1934, MedGen C0393706, MONDO:0800491.
KCNQ2-Related Disorders. Also called: KCNQ2-related condition; KCNQ2-related disorder. Identifiers: MedGen CN169299.

Allele frequency attached by ClinVar (database versions not stated): gnomAD exomes below 0.00001.
gnomAD v4.1: 1 of 1,613,888 alleles (0.000062%); highest among the groups gnomAD compares: Non-Finnish European, 0.000085%; no homozygotes.

Submissions (5):

Labcorp Genetics (formerly Invitae), Labcorp
Classification: Likely pathogenic for Early-infantile DEE. Last evaluated: 2024-10-21. Review status: criteria provided, single submitter. Criteria: Invitae Variant Classification Sherloc (09022015). Collection method: clinical testing. Allele origin: germline.
Comment: This sequence change replaces threonine, which is neutral and polar, with methionine, which is neutral and non-polar, at codon 359 of the KCNQ2 protein (p.Thr359Met). This variant is not present in population databases (gnomAD no frequency). This variant has not been reported in the literature in individuals affected with KCNQ2-related conditions. ClinVar contains an entry for this variant (Variation ID: 976330). Invitae Evidence Modeling of protein sequence and biophysical properties (such as structural, functional, and spatial information, amino acid conservation, physicochemical variation, residue mobility, and thermodynamic stability) indicates that this missense variant is expected to disrupt KCNQ2 protein function with a positive predictive value of 95%. This variant disrupts the p.Thr359 amino acid residue in KCNQ2. Other variant(s) that disrupt this residue have been determined to be pathogenic (PMID: 19559753; internal data). This suggests that this residue is clinically significant, and that variants that disrupt this residue are likely to be disease-causing. In summary, the currently available evidence indicates that the variant is pathogenic, but additional data are needed to prove that conclusively. Therefore, this variant has been classified as Likely Pathogenic.

PreventionGenetics, part of Exact Sciences
Classification: Uncertain significance for KCNQ2-related condition. Last evaluated: 2022-10-13. Review status: criteria provided, single submitter. Criteria: ACMG Guidelines, 2015. Collection method: clinical testing. Allele origin: germline.
Comment: The KCNQ2 c.1076C>T variant is predicted to result in the amino acid substitution p.Thr359Met. To our knowledge, this variant has not been reported in the literature or in a large population database, indicating it is rare. KCNQ2 is generally intolerant to missense variation, and different missense variants affecting the same amino acid have been reported in association with seizure disorders (p.Thr359Lys, Volkers L et al 2009. PubMed ID: 19559753; p.Thr359Ala, Lindy et al. 2018. PubMed ID: 29655203, Table S4). Taken together, although we suspect that the c.1076C>T (p.Thr359Met) variant may be pathogenic, at this time, the clinical significance is uncertain due to the absence of conclusive functional and genetic evidence.

Blueprint Genetics
Classification: Likely pathogenic for KCNQ2-related disorders. Last evaluated: 2022-07-28. Review status: criteria provided, single submitter. Criteria: ACMG Guidelines, 2015. Collection method: clinical testing. Allele origin: germline. Affected: yes. Observed: 1 variant allele.

Institute of Human Genetics, University of Leipzig Medical Center
Classification: Pathogenic for Seizures, benign familial neonatal, 1. Last evaluated: 2021-08-19. Review status: criteria provided, single submitter. Criteria: ACMG Guidelines, 2015. Collection method: clinical testing. Allele origin: unknown. Affected: yes.

GeneDx
Classification: Likely pathogenic. Last evaluated: 2021-05-12. Review status: criteria provided, single submitter. Criteria: GeneDx Variant Classification Process June 2021. Collection method: clinical testing. Allele origin: germline. Affected: yes.
Comment: Not observed in large population cohorts (Lek et al., 2016); Missense variants in this gene are often considered pathogenic (Stenson et al., 2014); In silico analysis supports that this missense variant has a deleterious effect on protein structure/function; Has not been previously published as pathogenic or benign to our knowledge

Literature cited by the submitters: PubMed 19559753 (cited by Labcorp Genetics (formerly Invitae), Labcorp).

NM_172107.4(KCNQ2):c.1076C>T (p.Thr359Met)

Gene: KCNQ2 (potassium voltage-gated channel subfamily Q member 2; minus strand). Cytogenetic location: 20q13.33.
Variant type: single nucleotide variant.
Coding change: c.1076C>T on transcript NM_172107.4 (MANE Select); coding-DNA position 1076, C replaced by T.
Protein change: p.Thr359Met; replaces threonine 359 with methionine.
Molecular consequence: missense variant.
Genome position (GRCh38, 1-based): chr20:63,433,851, G>A on the plus strand (C>T on the coding strand, the complement: KCNQ2 is on the minus strand). VCF-style: chr20-63433851-G-A. GRCh37 (hg19) VCF-style: chr20-62065204-G-A.
Other names: c.1076C>T, p.Thr359Met (NM_001382235.1, NM_004518.6, NM_172106.3 and 2 more transcripts); short protein forms T359M.
Identifiers: ClinVar variation 976330 (VCV000976330.15), dbSNP rs118192219, ClinGen allele CA409651133.